The following is an entry in ClinVar:

Single allele

Genes: B3GALT5 (beta-1,3-galactosyltransferase 5; plus strand), B3GALT5-AS1 (B3GALT5 antisense RNA 1; minus strand), BACE2 (beta-secretase 2; plus strand), BRWD1 (bromodomain and WD repeat domain containing 1; minus strand), BRWD1-AS1 (BRWD1 antisense RNA 1; plus strand) and 94 more. Cytogenetic location: 21q22.2-22.3.
Variant type: Deletion.
Identifiers: ClinVar variation 5043366 (VCV005043366.1).

ClinVar aggregate classification (oncogenicity): Likely oncogenic (0 of 4 stars; one submission).

Conditions:
Prostate cancer. Also called: Malignant tumor of prostate. Identifiers: Orphanet 1331, MedGen C0376358, MONDO:0008315, HP:0012125.

Submission:

Genome Sciences Centre, British Columbia Cancer Agency
Classification: Likely oncogenic for Prostate Cancer. Last evaluated: 2025-12-05. Review status: no assertion criteria provided. Collection method: research. Allele origin: somatic. Affected: yes.
Comment: Variant has potential clinical significance as a diagnostic criterion for prostate cancer based on the following evidence: 1) Documented in one or more cancer databases (e.g., CIViC and OncoKB). 2) Information in the literature supports potential biologic effect of variant (PMID: 17043636). 3) Diagnostic significance based on multiple studies (PMIDs: 21040948, 21499238, 17043636)

Literature cited by the submitters: PubMed 17043636.